The following is an entry in ClinVar:

ClinVar aggregate classification (germline): Likely pathogenic (1 of 4 stars; one submission).

Conditions:
Maple syrup urine disease (MSUD). Identifiers: Orphanet 511, MedGen C0024776, MeSH D008375, MONDO:0009563. Disease mechanism: loss of function.

Submission:

Myriad Genetics, Inc.
Classification: Likely pathogenic for Maple syrup urine disease type 1A. Last evaluated: 2019-10-11. Review status: criteria provided, single submitter. Criteria: Myriad Women's Health Autosomal Recessive and X-Linked Classification Criteria (2019). Collection method: clinical testing. Allele origin: unknown.
Comment: NM_183050.2(BCKDHB):c.790G>T(E264*) is expected to be pathogenic in the context of maple syrup urine disease type Ib. This variant is predicted to lead to an abnormal or absent protein product due to the creation of a premature termination codon in BCKDHB, a gene where loss-of-function variants are known to be pathogenic. Please note: this variant was assessed in the context of healthy population screening.

NM_183050.4(BCKDHB):c.790G>T (p.Glu264Ter)

Gene: BCKDHB (branched chain keto acid dehydrogenase E1 subunit beta; plus strand). Cytogenetic location: 6q14.1.
Variant type: single nucleotide variant.
Coding change: c.790G>T on transcript NM_183050.4 (MANE Select); coding-DNA position 790, G replaced by T.
Protein change: p.Glu264Ter; replaces glutamic acid 264 with a stop codon.
Molecular consequence: nonsense. On other transcripts: non-coding transcript variant (1).
Genome position (GRCh38, 1-based): chr6:80,200,981, G>T. VCF-style: chr6-80200981-G-T. GRCh37 (hg19) VCF-style: chr6-80910698-G-T.
Other names: c.790G>T, p.Glu264Ter (NM_000056.5); c.580G>T, p.Glu194Ter (NM_001318975.1); short protein forms E194*, E264*.
Identifiers: ClinVar variation 983849 (VCV000983849.3), dbSNP rs933828560, ClinGen allele CA364659984.
Genomic context (GRCh38, chr6:80,200,981, plus strand): 5'-GTTCTGTATTTAGCGGAAGAAGTCCCTATAGAACCATACAACATCCCACTGTCCCAGGCC[G>T]AAGTCATACAGGAAGGGAGTGATGTTACTCTAGTTGCCTGGGGCACTCAGGTGAGTAGCA-3'